The following is an entry in ClinVar:

ClinVar aggregate classification (germline): Uncertain significance (1 of 4 stars; one submission).

gnomAD v4.1: 1 of 1,513,502 alleles (0.000066%); highest among the groups gnomAD compares: Non-Finnish European, 0.000088%; no homozygotes.

Submission:

Labcorp Genetics (formerly Invitae), Labcorp
Classification: Uncertain significance. Last evaluated: 2022-02-20. Review status: criteria provided, single submitter. Criteria: Invitae Variant Classification Sherloc (09022015). Collection method: clinical testing. Allele origin: germline.
Comment: This sequence change replaces glycine, which is neutral and non-polar, with aspartic acid, which is acidic and polar, at codon 30 of the AP3B2 protein (p.Gly30Asp). This variant is not present in population databases (gnomAD no frequency). This variant has not been reported in the literature in individuals affected with AP3B2-related conditions. Algorithms developed to predict the effect of missense changes on protein structure and function are either unavailable or do not agree on the potential impact of this missense change (SIFT: "Deleterious"; PolyPhen-2: "Probably Damaging"; Align-GVGD: "Class C0"). In summary, the available evidence is currently insufficient to determine the role of this variant in disease. Therefore, it has been classified as a Variant of Uncertain Significance.

NM_001278512.2(AP3B2):c.89G>A (p.Gly30Asp)

Genes: AP3B2 (adaptor related protein complex 3 subunit beta 2; minus strand), LOC130057772 (ATAC-STARR-seq lymphoblastoid silent region 6752; plus strand). Cytogenetic location: 15q25.2.
Variant type: single nucleotide variant.
Coding change: c.89G>A on transcript NM_001278512.2 (MANE Select); coding-DNA position 89, G replaced by A.
Protein change: p.Gly30Asp; replaces glycine 30 with aspartic acid.
Molecular consequence: missense variant.
Genome position (GRCh38, 1-based): chr15:82,709,618, C>T on the plus strand (G>A on the coding strand, the complement: AP3B2 is on the minus strand). VCF-style: chr15-82709618-C-T. GRCh37 (hg19) VCF-style: chr15-83378370-C-T.
Other names: c.89G>A, p.Gly30Asp (NM_001278511.2, NM_001348440.2, NM_004644.5); short protein forms G30D.
Identifiers: ClinVar variation 2099832 (VCV002099832.1), dbSNP rs2548729905, ClinGen allele CA393307450.